The following is an entry in ClinVar:

NM_001375.3(DNASE2):c.11T>C (p.Leu4Pro)

Genes: DNASE2 (deoxyribonuclease 2, lysosomal; minus strand), LOC117125588 (CRISPRi-FlowFISH-validated KLF1 regulatory element 1; plus strand). Cytogenetic location: 19p13.13.
Variant type: single nucleotide variant.
Coding change: c.11T>C on transcript NM_001375.3 (MANE Select); coding-DNA position 11, T replaced by C.
Protein change: p.Leu4Pro; replaces leucine 4 with proline.
Molecular consequence: missense variant.
Genome position (GRCh38, 1-based): chr19:12,881,365, A>G on the plus strand (T>C on the coding strand, the complement: DNASE2 is on the minus strand). VCF-style: chr19-12881365-A-G. GRCh37 (hg19) VCF-style: chr19-12992179-A-G.
Other names: short protein forms L4P.
Identifiers: ClinVar variation 2730765 (VCV002730765.3), dbSNP rs1970377887, ClinGen allele CA404304670.
Genomic context (GRCh38, chr19:12,881,365, plus strand): 5'-CCGGAGTCCCCGTAGCAGGTCAGGGCCCCGGCGGGGACGCACAGCAGCGCTGCCAGCAGC[A>G]GCGGGATCATAGCTGCTATGGGGCTGAGATCCAGGAATCTGTGTCGGGACTGCGGGGCGC-3'
Protein context (NP_001366.1, residues 1-14): MIP[Leu4Pro]LLAALLCVPA

ClinVar aggregate classification (germline): Uncertain significance (1 of 4 stars; one submission).

Allele frequency attached by ClinVar (database versions not stated): TOPMed below 0.00001; gnomAD 0.00001.

Submission:

Labcorp Genetics (formerly Invitae), Labcorp
Classification: Uncertain significance. Last evaluated: 2023-06-28. Review status: criteria provided, single submitter. Criteria: Invitae Variant Classification Sherloc (09022015). Collection method: clinical testing. Allele origin: germline.
Comment: This sequence change replaces leucine, which is neutral and non-polar, with proline, which is neutral and non-polar, at codon 4 of the DNASE2 protein (p.Leu4Pro). This variant is not present in population databases (gnomAD no frequency). This variant has not been reported in the literature in individuals affected with DNASE2-related conditions. An algorithm developed to predict the effect of missense changes on protein structure and function (PolyPhen-2) suggests that this variant is likely to be disruptive. In summary, the available evidence is currently insufficient to determine the role of this variant in disease. Therefore, it has been classified as a Variant of Uncertain Significance.